The following is an entry in ClinVar:

ClinVar aggregate classification (germline): Likely pathogenic (1 of 4 stars; one submission).

Conditions:
Central core myopathy (CMYO1A). Also called: CONGENITAL MYOPATHY 1A, AUTOSOMAL DOMINANT, WITH SUSCEPTIBILITY TO MALIGNANT HYPERTHERMIA; Central core disease; Myopathy, central fibrillar. Identifiers: Orphanet 597, MedGen C5830701, MONDO:0007294, OMIM 117000.

Submission:

Variantyx, Inc.
Classification: Likely pathogenic for Central core myopathy. Last evaluated: 2025-07-03. Review status: criteria provided, single submitter. Criteria: Variantyx Assertion Criteria 2022. Collection method: clinical testing. Allele origin: de novo. Inheritance: Autosomal dominant inheritance. Affected: yes.
Comment: This is a nonsynonymous variant in the RYR1 gene (OMIM: 180901). Pathogenic variants in this gene have been associated with autosomal dominant congenital myopathy 1A with susceptibility to malignant hyperthermia. This variant was reported to have occurred de novo in affected individuals reported in the published literature (PMID: 20439600) (PS2). Multiple computational algorithms predict a deleterious effect for this variant (REVEL score: 0.931) (PP3), and an alternate amino acid change at this position (p.Arg3983Cys) has been previously reported in similarly affected individuals, which suggests that this residue is biologically important (PMID: 21918424) (PM5). This variant is absent from control populations (PM2). Based on the current evidence, this variant is classified as likely pathogenic for autosomal dominant congenital myopathy 1A with susceptibility to malignant hyperthermia.

Literature cited by the submitters: PubMed 20439600; PubMed 21918424.

NM_000540.3(RYR1):c.11948G>A (p.Arg3983His)

Gene: RYR1 (ryanodine receptor 1; plus strand). Cytogenetic location: 19q13.2.
Variant type: single nucleotide variant.
Coding change: c.11948G>A on transcript NM_000540.3 (MANE Select); coding-DNA position 11948, G replaced by A.
Protein change: p.Arg3983His; replaces arginine 3983 with histidine.
Molecular consequence: missense variant.
Genome position (GRCh38, 1-based): chr19:38,543,811, G>A. VCF-style: chr19-38543811-G-A. GRCh37 (hg19) VCF-style: chr19-39034451-G-A.
Other names: c.11933G>A, p.Arg3978His (NM_001042723.2); short protein forms R3978H, R3983H.
Identifiers: ClinVar variation 4850776 (VCV004850776.1).